The following is an entry in ClinVar:

ClinVar aggregate classification (germline): Pathogenic/Likely pathogenic. Review status: criteria provided, multiple submitters, no conflicts (2 of 4 stars). 2 submissions from 2 submitters: Pathogenic (1); Likely pathogenic (1). Last evaluated 2026-09-21.

Conditions:
Amyotrophic lateral sclerosis (ALS). Also called: Charcot disease; Lou Gehrig disease. Identifiers: Orphanet 803, MedGen C0002736, MONDO:0004976, HP:0007354.
Frontotemporal dementia and/or amyotrophic lateral sclerosis 4. Also called: FTDALS4. Identifiers: Orphanet 275872, MedGen C4225325, MONDO:0014641, OMIM 616439.

Submissions (2):

Department of Neurology, Brain Research Institute, Niigata University
Classification: Likely pathogenic for Amyotrophic lateral sclerosis. Last evaluated: 2026-09-21. Review status: criteria provided, single submitter. Criteria: ACMG Guidelines, 2015. Collection method: research. Allele origin: unknown. Affected: yes.
Comment: Null variant (frameshift) in a gene where loss-of-function (LoF) is a known mechanism of disease (PVS1).

Labcorp Genetics (formerly Invitae), Labcorp
Classification: Pathogenic for Frontotemporal dementia and/or amyotrophic lateral sclerosis 4. Last evaluated: 2025-08-17. Review status: criteria provided, single submitter. Criteria: Invitae Variant Classification Sherloc (09022015). Collection method: clinical testing. Allele origin: germline.
Comment: This sequence change creates a premature translational stop signal (p.Thr462Lysfs*3) in the TBK1 gene. It is expected to result in an absent or disrupted protein product. Loss-of-function variants in TBK1 are known to be pathogenic (PMID: 25803835, 26476236, 26581300). This variant is not present in population databases (gnomAD no frequency). This premature translational stop signal has been observed in individual(s) with amyotrophic lateral sclerosis and dementia (PMID: 28008748). ClinVar contains an entry for this variant (Variation ID: 2752051). For these reasons, this variant has been classified as Pathogenic.

Literature cited by the submitters: PubMed 25803835 (cited by Labcorp Genetics (formerly Invitae), Labcorp); PubMed 26476236 (cited by Labcorp Genetics (formerly Invitae), Labcorp); PubMed 26581300 (cited by Labcorp Genetics (formerly Invitae), Labcorp); PubMed 28008748 (cited by Labcorp Genetics (formerly Invitae), Labcorp).

NM_013254.4(TBK1):c.1385_1388del (p.Thr462fs)

Gene: TBK1 (TANK binding kinase 1; plus strand). Cytogenetic location: 12q14.2.
Variant type: Deletion.
Coding change: c.1385_1388del on transcript NM_013254.4 (MANE Select); coding-DNA positions 1385 to 1388, 4 bases deleted (CAGA; older notation c.1385_1388delCAGA).
Protein change: p.Thr462fs; shifts the reading frame from threonine 462.
Molecular consequence: frameshift variant.
Genome position (GRCh38, 1-based): chr12:64,488,531-64,488,534, CAGA deleted; deleting any 4 consecutive bases within chr12:64,488,528-64,488,534 gives the same sequence; the c. name uses the placement nearest the transcript's 3' end. VCF-style (leftmost placement, unchanged base first): chr12-64488527-AAGAC-A. GRCh37 (hg19) VCF-style: chr12-64882307-AAGAC-A.
Other names: short protein forms T462fs.
Identifiers: ClinVar variation 2752051 (VCV002752051.5), dbSNP rs1476919390, ClinGen allele CA690953244.